The following is an entry in ClinVar:

ClinVar aggregate classification (germline): Likely benign (1 of 4 stars; one submission).

gnomAD v4.1: 255 of 1,613,870 alleles (0.016%); highest among the groups gnomAD compares: Admixed American, 0.063%; no homozygotes.

Submission:

CeGaT Center for Human Genetics Tuebingen
Classification: Likely benign. Last evaluated: 2026-03-01. Review status: criteria provided, single submitter. Criteria: CeGaT Center For Human Genetics Tuebingen Variant Classification Criteria Version 2. Collection method: clinical testing. Allele origin: germline. Affected: yes. Observed: 1 variant allele.
Comment: TNPO2: BP4, BP7

NM_001382241.1(TNPO2):c.963G>A (p.Glu321=)

Gene: TNPO2 (transportin 2; minus strand). Cytogenetic location: 19p13.13.
Variant type: single nucleotide variant.
Coding change: c.963G>A on transcript NM_001382241.1 (MANE Select); coding-DNA position 963, G replaced by A.
Protein change: p.Glu321=; no amino-acid change (glutamic acid 321 retained).
Molecular consequence: synonymous variant. On other transcripts: non-coding transcript variant (5).
Genome position (GRCh38, 1-based): chr19:12,711,450, C>T on the plus strand (G>A on the coding strand, the complement: TNPO2 is on the minus strand). VCF-style: chr19-12711450-C-T. GRCh37 (hg19) VCF-style: chr19-12822264-C-T.
Other names: c.963G>A, p.Glu321= (NM_001136195.2, NM_001136196.2, NM_001382236.1 and 7 more transcripts).
Identifiers: ClinVar variation 4821229 (VCV004821229.4).
Genomic context (GRCh38, chr19:12,711,450, plus strand): 5'-GCGTGACTTGTGGAAGCGTGGCTTGATGTCCTGCTCACTGTCGGGGACAGCCTCATCCTC[C>T]TCCACATCCCCCTGGGGGACAGGCAGACTGTTAAGTACTTTGGGGACCACAGCCGCGACA-3'
Protein context (NP_001369170.1, residues 311-331): IDIILLKGDV[Glu321=]EDEAVPDSEQ